The following is an entry in ClinVar:

ClinVar aggregate classification (germline): Uncertain significance (1 of 4 stars; one submission).

Conditions:
Inborn genetic diseases. Identifiers: MedGen C0950123, MeSH D030342.

gnomAD v4.1: 1 of 1,614,198 alleles (0.000062%); highest among the groups gnomAD compares: East Asian, 0.0022%; no homozygotes.

Submission:

Ambry Genetics
Classification: Uncertain significance for Inborn genetic diseases. Last evaluated: 2025-11-24. Review status: criteria provided, single submitter. Criteria: Ambry Variant Classification Scheme 2023. Collection method: clinical testing. Allele origin: germline.
Comment: The p.M459T variant (also known as c.1376T>C), located in coding exon 8 of the MECOM gene, results from a T to C substitution at nucleotide position 1376. The methionine at codon 459 is replaced by threonine, an amino acid with similar properties. This amino acid position is conserved. In addition, the in silico prediction for this alteration is inconclusive. Based on the available evidence, the clinical significance of this variant remains unclear.

NM_004991.4(MECOM):c.1376T>C (p.Met459Thr)

Gene: MECOM (MDS1 and EVI1 complex locus; minus strand). Cytogenetic location: 3q26.2.
Variant type: single nucleotide variant.
Coding change: c.1376T>C on transcript NM_004991.4 (MANE Select); coding-DNA position 1376, T replaced by C.
Protein change: p.Met459Thr; replaces methionine 459 with threonine.
Molecular consequence: missense variant. On other transcripts: intron variant (2).
Genome position (GRCh38, 1-based): chr3:169,116,496, A>G on the plus strand (T>C on the coding strand, the complement: MECOM is on the minus strand). VCF-style: chr3-169116496-A-G. GRCh37 (hg19) VCF-style: chr3-168834284-A-G.
Other names: c.1007T>C, p.Met336Thr (NM_001105077.4); c.812T>C, p.Met271Thr (NM_001105078.4, NM_001164000.2, NM_001205194.2 and 4 more transcripts); c.815T>C, p.Met272Thr (NM_001163999.2, NM_001366467.2, NM_001366468.2 and 1 more transcripts); c.1376T>C, p.Met459Thr (NM_001366466.2); c.1133-729T>C (NM_001366473.2); c.569-729T>C (NM_001366474.2); short protein forms M459T, M336T, M271T, M272T.
Identifiers: ClinVar variation 4624706 (VCV004624706.1).